The following is an entry in ClinVar:

ClinVar aggregate classification (germline): Uncertain significance. Review status: criteria provided, multiple submitters, no conflicts (2 of 4 stars). 2 submissions from 2 submitters: Uncertain significance (2). Last evaluated 2025-01-01.

gnomAD v4.1: 6 of 1,545,710 alleles (0.00039%); highest among the groups gnomAD compares: South Asian, 0.006%; no homozygotes.

Submissions (2):

CeGaT Center for Human Genetics Tuebingen
Classification: Uncertain significance. Last evaluated: 2025-01-01. Review status: criteria provided, single submitter. Criteria: CeGaT Center For Human Genetics Tuebingen Variant Classification Criteria Version 2. Collection method: clinical testing. Allele origin: germline. Affected: yes. Observed: 1 variant allele.

Labcorp Genetics (formerly Invitae), Labcorp
Classification: Uncertain significance. Last evaluated: 2024-12-24. Review status: criteria provided, single submitter. Criteria: Invitae Variant Classification Sherloc (09022015). Collection method: clinical testing. Allele origin: germline.
Comment: This sequence change replaces alanine, which is neutral and non-polar, with proline, which is neutral and non-polar, at codon 404 of the RELA protein (p.Ala404Pro). The frequency data for this variant in the population databases is considered unreliable, as metrics indicate poor data quality at this position in the gnomAD database. This variant has not been reported in the literature in individuals affected with RELA-related conditions. ClinVar contains an entry for this variant (Variation ID: 2111935). An algorithm developed to predict the effect of missense changes on protein structure and function outputs the following: PolyPhen-2: "Benign". The proline amino acid residue is found in multiple mammalian species, which suggests that this missense change does not adversely affect protein function. In summary, the available evidence is currently insufficient to determine the role of this variant in disease. Therefore, it has been classified as a Variant of Uncertain Significance.

NM_021975.4(RELA):c.1210G>C (p.Ala404Pro)

Gene: RELA (RELA proto-oncogene, NF-kB subunit; minus strand). Cytogenetic location: 11q13.1.
Variant type: single nucleotide variant.
Coding change: c.1210G>C on transcript NM_021975.4 (MANE Select); coding-DNA position 1210, G replaced by C.
Protein change: p.Ala404Pro; replaces alanine 404 with proline.
Molecular consequence: missense variant. On other transcripts: intron variant (1).
Genome position (GRCh38, 1-based): chr11:65,654,824, C>G on the plus strand (G>C on the coding strand, the complement: RELA is on the minus strand). VCF-style: chr11-65654824-C-G. GRCh37 (hg19) VCF-style: chr11-65422295-C-G.
Other names: c.997G>C, p.Ala333Pro (NM_001404659.1); c.892G>C, p.Ala298Pro (NM_001404660.1); c.829G>C, p.Ala277Pro (NM_001404661.1); c.1117G>C, p.Ala373Pro (NM_001404662.1, NM_001404663.1); c.1034-31G>C (NM_001243984.2); c.1201G>C, p.Ala401Pro (NM_001145138.2); c.1210G>C, p.Ala404Pro (NM_001243985.2); c.1243G>C, p.Ala415Pro (NM_001404657.1); and 1 more; short protein forms A277P, A404P, A333P, A395P, A298P, A401P, A373P, A415P.
Identifiers: ClinVar variation 2111935 (VCV002111935.17), dbSNP rs1390278423, ClinGen allele CA381387743.
Genomic context (GRCh38, chr11:65,654,824, plus strand): 5'-GTGGGGCCACAGCCTGAGGAGGGCCTGGGGCTAGGACTGGGACAGGGGCTGGGGCCTGGG[C>G]CAGAGCTGATACCATGGCTGGAGCAGGGGCAGGGGCTGGAGCCTGGGGCAGGACTTGGGG-3'
Protein context (NP_068810.3, residues 394-414): APAPAMVSAL[Ala404Pro]QAPAPVPVLA